The following is an entry in ClinVar:

NM_001035.3(RYR2):c.14849A>G (p.Glu4950Gly)

Gene: RYR2 (ryanodine receptor 2; plus strand). Cytogenetic location: 1q43.
Variant type: single nucleotide variant.
Coding change: c.14849A>G on transcript NM_001035.3 (MANE Select); coding-DNA position 14849, A replaced by G.
Protein change: p.Glu4950Gly; replaces glutamic acid 4950 with glycine.
Molecular consequence: missense variant.
Genome position (GRCh38, 1-based): chr1:237,832,592, A>G. VCF-style: chr1-237832592-A-G. GRCh37 (hg19) VCF-style: chr1-237995892-A-G.
Other names: c.14849A>G, p.Glu4950Gly (LRG_402t1); short protein forms E4950G.
Identifiers: ClinVar variation 372588 (VCV000372588.1), dbSNP rs1057517873, ClinGen allele CA16042325.
Genomic context (GRCh38, chr1:237,832,592, plus strand): 5'-CATTTCCTTGACTTTTGCAGGAATCTTATGTCTGGAAGATGTATCAAGAAAGGTGTTGGG[A>G]ATTTTTCCCAGCAGGGGATTGCTTCCGGAAACAGTATGAAGACCAGCTAAATTAAACTCA-3'
Protein context (NP_001026.2, residues 4940-4960): VWKMYQERCW[Glu4950Gly]FFPAGDCFRK

ClinVar aggregate classification (germline): Likely pathogenic (1 of 4 stars; one submission).

Submission:

GeneDx
Classification: Likely pathogenic. Last evaluated: 2015-04-15. Review status: criteria provided, single submitter. Criteria: GeneDx Variant Classification (06012015). Collection method: clinical testing. Allele origin: germline. Affected: yes.
Comment: The E4950G variant has not been published asa pathogenic variant or been reported as a benign polymorphism to our knowledge. The E4950G variant was notobserved in approximately 5900 individuals of European and African American ancestry in the NHLBI ExomeSequencing Project, indicating it is not a common benign variant in these populations. The E4950G variant is anon-conservative amino acid substitution, which is likely to impact secondary protein structure as theseresidues differ in polarity, charge, size and/or other properties. This substitution occurs at a position that isconserved by class across species. In silico analysis is inconsistent in its predictions as to whether or not thevariant is damaging to the protein structure/function. However, The E4950G variant is located in a pathogenic varianthot spot" region of the RYR2 gene (Medeiros-Domingo et al., 2009). Furthermore, a missense variant in thesame residue (E4950K) and nearby residue (R4959Q) have been reported in the Human Gene MutationDatabase in association with RYR2-related arrhythmia (Stenson et al., 2014), supporting the functionalimportance of this region of the protein. Therefore, this variant is a strong candidate for a pathogenic variant, however the possibility that it is abenign variant cannot be excluded."